The following is an entry in ClinVar:

ClinVar aggregate classification (germline): Conflicting classifications of pathogenicity. Review status: criteria provided, conflicting classifications (1 of 4 stars). 3 submissions from 3 submitters: Uncertain significance (1); Likely benign (2). Last evaluated 2025-01-27.

Conditions:
Cardiovascular phenotype. Identifiers: MedGen CN230736.
Arrhythmogenic right ventricular dysplasia 9 (ARVD9). Also called: Arrhythmogenic Right Ventricular Dysplasia/Cardiomyopathy 9; ARRHYTHMOGENIC RIGHT VENTRICULAR DYSPLASIA, FAMILIAL, 9. Identifiers: MedGen C1836906, MONDO:0012180, OMIM 609040.
Cardiomyopathy (CMYO). Also called: Cardiomyopathies. Identifiers: Orphanet 167848, MedGen C0878544, MONDO:0004994, HP:0001638. Inheritance: Various modes of inheritance.

Allele frequency attached by ClinVar (database versions not stated): TOPMed below 0.00001; ExAC 0.00001; gnomAD 0.00001.
gnomAD v4.1: 7 of 1,364,878 alleles (0.00051%); highest among the groups gnomAD compares: South Asian, 0.0068%; no homozygotes.

Submissions (3):

Color Diagnostics, LLC DBA Color Health
Classification: Likely benign for Cardiomyopathy. Last evaluated: 2025-01-27. Review status: criteria provided, single submitter. Criteria: ACMG Guidelines, 2015. Collection method: clinical testing. Allele origin: germline.

Ambry Genetics
Classification: Uncertain significance for Cardiovascular phenotype. Last evaluated: 2024-11-05. Review status: criteria provided, single submitter. Criteria: Ambry Variant Classification Scheme 2023. Collection method: clinical testing. Allele origin: germline.
Comment: The c.1380C>T variant (also known as p.D460D), located in coding exon 6 of the PKP2 gene, results from a C to T substitution at nucleotide position 1380. This nucleotide substitution does not change the amino acid at codon 460. In silico splice site analysis for this alteration is inconclusive. Based on the available evidence, the clinical significance of this variant remains unclear.

Labcorp Genetics (formerly Invitae), Labcorp
Classification: Likely benign for Arrhythmogenic right ventricular dysplasia 9. Last evaluated: 2024-05-22. Review status: criteria provided, single submitter. Criteria: Invitae Variant Classification Sherloc (09022015). Collection method: clinical testing. Allele origin: germline.

NM_001005242.3(PKP2):c.1379-2107C>T

Gene: PKP2 (plakophilin 2; minus strand). Cytogenetic location: 12p11.21.
Variant type: single nucleotide variant.
Coding change: c.1379-2107C>T on transcript NM_001005242.3 (MANE Select); 2107 bases into the intron before coding-DNA position 1379, C replaced by T.
Molecular consequence: intron variant. On other transcripts: synonymous variant (2).
Genome position (GRCh38, 1-based): chr12:32,843,312, G>A on the plus strand (C>T on the coding strand, the complement: PKP2 is on the minus strand). VCF-style: chr12-32843312-G-A. GRCh37 (hg19) VCF-style: chr12-32996246-G-A.
Other names: c.1380C>T, p.Asp460= (NM_001407157.1, NM_004572.4); c.1379-2107C>T (NM_001407156.1, NM_001407155.1, NM_001407161.1); c.1052-2107C>T (NM_001407160.1, NM_001407159.1, NM_001407158.1 and 1 more transcripts).
Identifiers: ClinVar variation 2912116 (VCV002912116.5), dbSNP rs751862142, ClinGen allele CA028045.